The following is an entry in ClinVar:

ClinVar aggregate classification (germline): Likely benign (0 of 4 stars; one submission).

Conditions:
NCOA1-related disorder. Also called: NCOA1-related condition.

gnomAD v4.1: 14 of 1,614,128 alleles (0.00087%); highest among the groups gnomAD compares: African/African-American, 0.019%; no homozygotes.

Submission:

PreventionGenetics, part of Exact Sciences
Classification: Likely benign for NCOA1-related condition. Last evaluated: 2022-08-08. Review status: no assertion criteria provided. Collection method: clinical testing. Allele origin: germline.
Comment: This variant is classified as likely benign based on ACMG/AMP sequence variant interpretation guidelines (Richards et al. 2015 PMID: 25741868, with internal and published modifications).

NM_003743.5(NCOA1):c.1866A>G (p.Gly622=)

Gene: NCOA1 (nuclear receptor coactivator 1; plus strand). Cytogenetic location: 2p23.3.
Variant type: single nucleotide variant.
Coding change: c.1866A>G on transcript NM_003743.5 (MANE Select); coding-DNA position 1866, A replaced by G.
Protein change: p.Gly622=; no amino-acid change (glycine 622 retained).
Molecular consequence: synonymous variant.
Genome position (GRCh38, 1-based): chr2:24,707,336, A>G. VCF-style: chr2-24707336-A-G. GRCh37 (hg19) VCF-style: chr2-24930205-A-G.
Other names: c.1866A>G, p.Gly622= (NM_001362950.1, NM_001362952.1, NM_001362954.1 and 3 more transcripts).
Identifiers: ClinVar variation 3351572 (VCV003351572.1).
Genomic context (GRCh38, chr2:24,707,336, plus strand): 5'-TAGTGATGGCAAACCTCTGGATTCAGGGCTTCTGCATAACAATGACAGACTTTCAGATGG[A>G]GACAGTAAATACTCTCAAACCAGTCACAAACTAGTGCAGCTTTTGACAACAACTGCCGAA-3'
Protein context (NP_003734.3, residues 612-632): LLHNNDRLSD[Gly622=]DSKYSQTSHK